The following is an entry in ClinVar:

NM_000551.4(VHL):c.179_182del (p.Arg60fs)

Gene: VHL (von Hippel-Lindau tumor suppressor; plus strand). Cytogenetic location: 3p25.3.
Variant type: Deletion.
Coding change: c.179_182del on transcript NM_000551.4 (MANE Select); coding-DNA positions 179 to 182, 4 bases deleted (GGCC; older notation c.179_182delGGCC).
Protein change: p.Arg60fs; shifts the reading frame from arginine 60.
Molecular consequence: frameshift variant. On other transcripts: non-coding transcript variant (1).
Genome position (GRCh38, 1-based): chr3:10,142,026-10,142,029, GGCC deleted; deleting any 4 consecutive bases within chr3:10,142,025-10,142,029 gives the same sequence; the c. name uses the placement nearest the transcript's 3' end. VCF-style (leftmost placement, unchanged base first): chr3-10142024-GCGGC-G. GRCh37 (hg19) VCF-style: chr3-10183708-GCGGC-G.
Other names: c.179_182del, p.Arg60fs (NM_001354723.2, NM_198156.3); short protein forms R60fs.
Identifiers: ClinVar variation 3148656 (VCV003148656.1), dbSNP rs2470157939, ClinGen allele CA645524666.

ClinVar aggregate classification (germline): Pathogenic (1 of 4 stars; one submission).

Conditions:
Von Hippel-Lindau syndrome (VHLS). Also called: von Hippel–Lindau syndrome; Von Hippel-Lindau; VHL syndrome. Identifiers: Orphanet 892, MedGen C0019562, MONDO:0008667, OMIM 193300. Disease mechanism: loss of function.

Submission:

Myriad Genetics, Inc.
Classification: Pathogenic for Von Hippel-Lindau syndrome. Last evaluated: 2023-12-21. Review status: criteria provided, single submitter. Criteria: Myriad Autosomal Dominant, Autosomal Recessive and X-Linked Classification Criteria (2023). Collection method: clinical testing. Allele origin: unknown.
Comment: This variant is considered pathogenic. This variant creates a frameshift predicted to result in premature protein truncation.